The following is an entry in ClinVar:

NM_004181.5(UCHL1):c.208C>G (p.Leu70Val)

Gene: UCHL1 (ubiquitin C-terminal hydrolase L1; plus strand). Cytogenetic location: 4p13.
Variant type: single nucleotide variant.
Coding change: c.208C>G on transcript NM_004181.5 (MANE Select); coding-DNA position 208, C replaced by G.
Protein change: p.Leu70Val; replaces leucine 70 with valine.
Molecular consequence: missense variant.
Genome position (GRCh38, 1-based): chr4:41,260,680, C>G. VCF-style: chr4-41260680-C-G. GRCh37 (hg19) VCF-style: chr4-41262697-C-G.
Other names: p.Leu70Val; short protein forms L70V.
Identifiers: ClinVar variation 4540980 (VCV004540980.1).

ClinVar aggregate classification (germline): Uncertain significance (1 of 4 stars; one submission).

Submission:

Mayo Clinic Laboratories, Mayo Clinic
Classification: Uncertain significance. Last evaluated: 2024-12-31. Review status: criteria provided, single submitter. Criteria: ACMG Guidelines, 2015. Collection method: clinical testing. Allele origin: germline. Observed: 1 variant allele.
Comment: BP4_moderate, PM2_supporting